The following is an entry in ClinVar:

NM_001029883.3(PCARE):c.1185del (p.His395fs)

Gene: PCARE (photoreceptor cilium actin regulator; minus strand). Cytogenetic location: 2p23.2.
Variant type: Deletion.
Coding change: c.1185del on transcript NM_001029883.3 (MANE Select); coding-DNA position 1185, one base deleted (C; older notation c.1185delC).
Protein change: p.His395fs; shifts the reading frame from histidine 395.
Molecular consequence: frameshift variant.
Genome position (GRCh38, 1-based): chr2:29,073,077, G deleted on the plus strand (C on the coding strand, the reverse complement: PCARE is on the minus strand). VCF-style (leftmost placement, unchanged base first): chr2-29073076-TG-T. GRCh37 (hg19) VCF-style: chr2-29295942-TG-T.
Other names: p.(His395GlnfsTer54); c.1185del (NM_001029883.2); short protein forms H395fs.
Identifiers: ClinVar variation 3248922 (VCV003248922.3).
Genomic context (GRCh38, chr2:29,073,076, plus strand): 5'-CTGAGAGCAGGCAGTCCTGGGGTCTGCCTGAGCCCAAACAGAATGGACTTTGCTGCCAGG[TG>T]TGTCCTGACTGCCTGGCCTCTGTGTGGGGTGAAGTCACCGACTTCCATTCTTCGGGCTCT-3'

ClinVar aggregate classification (germline): Pathogenic/Likely pathogenic. Review status: criteria provided, multiple submitters, no conflicts (2 of 4 stars). 3 submissions from 3 submitters: Pathogenic (1); Likely pathogenic (1). 1 of the submissions does not count toward it. Last evaluated 2026-05-28.

Conditions:
Retinitis pigmentosa 54 (RP54). Identifiers: Orphanet 791, MedGen C3150691, MONDO:0013263, OMIM 613428.
Retinal dystrophy. Also called: Inherited retinal dystrophy. Identifiers: Orphanet 71862, MedGen C0854723, MeSH D058499, MONDO:0019118, HP:0000556.
Retinitis pigmentosa (RP). Identifiers: Orphanet 791, MedGen C0035334, MeSH D012174, MONDO:0019200, OMIM 268000. Inheritance: Autosomal dominant, autosomal recessive and X linked inheritance.

Submissions (3):

Farin Genetics Laboratory
Classification: Likely pathogenic for Retinitis pigmentosa 54. Last evaluated: 2026-05-28. Review status: criteria provided, single submitter. Criteria: ACMG Guidelines, 2015. Collection method: clinical testing. Allele origin: germline. Inheritance: Autosomal recessive inheritance. Affected: yes. Observed: 3 variant alleles, 3 homozygotes. Clinical features observed: Rod-cone dystrophy (HP:0000510).
Comment: This homozygous frameshift variant in PCARE/C2ORF71 was identified in affected individual(s) with autosomal recessive PCARE-associated retinopathy/retinitis pigmentosa 54. The variant is predicted to alter the reading frame and introduce a premature termination codon, consistent with a loss-of-function mechanism. Classification was performed according to ACMG/AMP 2015 criteria, considering predicted loss of function, rarity in population databases, recessive inheritance, and consistency of the retinal phenotype with PCARE-associated disease.

Lab De Baere, Eye and Developmental Genetics Lab, Ghent University
Classification: Pathogenic for Retinitis pigmentosa. Last evaluated: 2024-10-01. Review status: criteria provided, single submitter. Criteria: ACMG Guidelines, 2015. Collection method: research. Allele origin: inherited. Affected: yes. Observed: 1 variant allele.
Comment: ACMG/AMP guidelines: PM2, PP4_PP, PVS1, PP1, PM3_PP

Institute of Human Genetics, Univ. Regensburg, Univ. Regensburg
Classification: Pathogenic for Retinal dystrophy. Last evaluated: 2020-01-01. Review status: no assertion criteria provided. Criteria: ACMG Guidelines, 2015. Collection method: clinical testing. Allele origin: germline. Affected: yes. Not counted in ClinVar's aggregate classification.